The following is an entry in ClinVar:

ClinVar aggregate classification (germline): Uncertain significance (1 of 4 stars; one submission).

Allele frequency attached by ClinVar (database versions not stated): gnomAD exomes below 0.00001; TOPMed below 0.00001.
gnomAD v4.1: 3 of 1,613,686 alleles (0.00019%); highest among the groups gnomAD compares: Non-Finnish European, 0.00025%; no homozygotes.

Submission:

Labcorp Genetics (formerly Invitae), Labcorp
Classification: Uncertain significance. Last evaluated: 2022-07-19. Review status: criteria provided, single submitter. Criteria: Invitae Variant Classification Sherloc (09022015). Collection method: clinical testing. Allele origin: germline.
Comment: This variant is present in population databases (no rsID available, gnomAD 0.0009%). In summary, the available evidence is currently insufficient to determine the role of this variant in disease. Therefore, it has been classified as a Variant of Uncertain Significance. Algorithms developed to predict the effect of missense changes on protein structure and function are either unavailable or do not agree on the potential impact of this missense change (SIFT: "Tolerated"; PolyPhen-2: "Probably Damaging"; Align-GVGD: "Class C0"). ClinVar contains an entry for this variant (Variation ID: 1384579). This variant has not been reported in the literature in individuals affected with TBXAS1-related conditions. This sequence change replaces alanine, which is neutral and non-polar, with valine, which is neutral and non-polar, at codon 435 of the TBXAS1 protein (p.Ala435Val).

NM_001061.7(TBXAS1):c.1301C>T (p.Ala434Val)

Gene: TBXAS1 (thromboxane A synthase 1; plus strand). Cytogenetic location: 7q34.
Variant type: single nucleotide variant.
Coding change: c.1301C>T on transcript NM_001061.7 (MANE Select); coding-DNA position 1301, C replaced by T.
Protein change: p.Ala434Val; replaces alanine 434 with valine.
Molecular consequence: missense variant.
Genome position (GRCh38, 1-based): chr7:140,015,797, C>T. VCF-style: chr7-140015797-C-T. GRCh37 (hg19) VCF-style: chr7-139715597-C-T.
Other names: c.1301C>T, p.Ala434Val (NM_001130966.5, NM_030984.6); c.1439C>T, p.Ala480Val (NM_001166253.4); c.1100C>T, p.Ala367Val (NM_001166254.4); c.1244C>T, p.Ala415Val (NM_001314028.4); c.1118C>T, p.Ala373Val (NM_001366537.3); short protein forms A480V, A415V, A434V, A367V, A373V.
Identifiers: ClinVar variation 1384579 (VCV001384579.9), dbSNP rs1021649967, ClinGen allele CA167959690.